The following is an entry in ClinVar:

ClinVar aggregate classification (germline): Uncertain significance. Review status: criteria provided, multiple submitters, no conflicts (2 of 4 stars). 2 submissions from 2 submitters: Uncertain significance (2). Last evaluated 2025-11-18.

Conditions:
Inborn genetic diseases. Identifiers: MedGen C0950123, MeSH D030342.

gnomAD v4.1: 1 of 1,613,452 alleles (0.000062%); no homozygotes.

Submissions (2):

Labcorp Genetics (formerly Invitae), Labcorp
Classification: Uncertain significance. Last evaluated: 2025-11-18. Review status: criteria provided, single submitter. Criteria: Invitae Variant Classification Sherloc (09022015). Collection method: clinical testing. Allele origin: germline.
Comment: This sequence change replaces valine, which is neutral and non-polar, with leucine, which is neutral and non-polar, at codon 145 of the MBD4 protein (p.Val145Leu). This variant is not present in population databases (gnomAD no frequency). This variant has not been reported in the literature in individuals affected with MBD4-related conditions. An algorithm developed to predict the effect of missense changes on protein structure and function outputs the following: PolyPhen-2: "Benign". The leucine amino acid residue is found in multiple mammalian species, which suggests that this missense change does not adversely affect protein function. In summary, the available evidence is currently insufficient to determine the role of this variant in disease. Therefore, it has been classified as a Variant of Uncertain Significance.

Ambry Genetics
Classification: Uncertain significance for Inborn genetic diseases. Last evaluated: 2025-10-06. Review status: criteria provided, single submitter. Criteria: Ambry Variant Classification Scheme 2023. Collection method: clinical testing. Allele origin: germline.
Comment: The p.V145L variant (also known as c.433G>C), located in coding exon 3 of the MBD4 gene, results from a G to C substitution at nucleotide position 433. The valine at codon 145 is replaced by leucine, an amino acid with highly similar properties. This amino acid position is not well conserved in available vertebrate species, and leucine is the reference amino acid in other vertebrate species. In addition, the in silico prediction for this alteration is inconclusive. Based on the available evidence, the clinical significance of this variant remains unclear.

NM_001276270.2(MBD4):c.433G>C (p.Val145Leu)

Gene: MBD4 (methyl-CpG binding domain 4, DNA glycosylase; minus strand). Cytogenetic location: 3q21.3.
Variant type: single nucleotide variant.
Coding change: c.433G>C on transcript NM_001276270.2 (MANE Select); coding-DNA position 433, G replaced by C.
Protein change: p.Val145Leu; replaces valine 145 with leucine.
Molecular consequence: missense variant. On other transcripts: intron variant (1).
Genome position (GRCh38, 1-based): chr3:129,437,211, C>G on the plus strand (G>C on the coding strand, the complement: MBD4 is on the minus strand). VCF-style: chr3-129437211-C-G. GRCh37 (hg19) VCF-style: chr3-129156054-C-G.
Other names: c.433G>C, p.Val145Leu (NM_001276271.2, NM_001276272.2, NM_003925.3); c.247+597G>C (NM_001276273.2); short protein forms V145L.
Identifiers: ClinVar variation 4624394 (VCV004624394.2).